The following is an entry in ClinVar:

NM_016219.5(MAN1B1):c.1680C>G (p.Asn560Lys)

Gene: MAN1B1 (mannosidase alpha class 1B member 1; plus strand). Cytogenetic location: 9q34.3.
Variant type: single nucleotide variant.
Coding change: c.1680C>G on transcript NM_016219.5 (MANE Select); coding-DNA position 1680, C replaced by G.
Protein change: p.Asn560Lys; replaces asparagine 560 with lysine.
Molecular consequence: missense variant. On other transcripts: non-coding transcript variant (2).
Genome position (GRCh38, 1-based): chr9:137,107,363, C>G. VCF-style: chr9-137107363-C-G. GRCh37 (hg19) VCF-style: chr9-140001815-C-G.
Other names: short protein forms N560K.
Identifiers: ClinVar variation 1030543 (VCV001030543.1), dbSNP rs1017935955, ClinGen allele CA201699403.
Genomic context (GRCh38, chr9:137,107,363, plus strand): 5'-CCTGCCCGCCAGCCACATGGAGCTGGCCCAGGAGCTCATGGAGACTTGTTACCAGATGAA[C>G]CGGCAGATGGAGACGGGGCTGAGTCCCGAGATCGTGCACTTCAACCTTTACCCCCAGCCG-3'
Protein context (NP_057303.2, residues 550-570): QELMETCYQM[Asn560Lys]RQMETGLSPE

ClinVar aggregate classification (germline): Uncertain significance (1 of 4 stars; one submission).

Conditions:
Rafiq syndrome (RAFQS). Identifiers: Orphanet 88616, MedGen C3280127, MONDO:0013624, OMIM 614202.

Allele frequency attached by ClinVar (database versions not stated): TOPMed 0.00001.
gnomAD v4.1: 1 of 1,613,410 alleles (0.000062%); highest among the groups gnomAD compares: Non-Finnish European, 0.000085%; no homozygotes.

Submission:

Baylor Genetics
Classification: Uncertain significance for Rafiq syndrome. Last evaluated: 2019-12-26. Review status: criteria provided, single submitter. Criteria: ACMG Guidelines, 2015. Collection method: clinical testing. Allele origin: unknown. Affected: yes.
Comment: This variant was determined to be of uncertain significance according to ACMG Guidelines, 2015 [PMID:25741868].